The following is an entry in ClinVar:

ClinVar aggregate classification (germline): Uncertain significance (1 of 4 stars; one submission).

Conditions:
Inborn genetic diseases. Identifiers: MedGen C0950123, MeSH D030342.

Submission:

Ambry Genetics
Classification: Uncertain significance for Inborn genetic diseases. Last evaluated: 2024-09-01. Review status: criteria provided, single submitter. Criteria: Ambry Variant Classification Scheme 2023. Collection method: clinical testing. Allele origin: germline.
Comment: The p.C602G variant (also known as c.1804T>G), located in coding exon 15 of the BUB1B gene, results from a T to G substitution at nucleotide position 1804. The cysteine at codon 602 is replaced by glycine, an amino acid with highly dissimilar properties. This amino acid position is conserved. In addition, this alteration is predicted to be tolerated by in silico analysis. Based on the available evidence, the clinical significance of this variant remains unclear.

NM_001211.6(BUB1B):c.1804T>G (p.Cys602Gly)

Gene: BUB1B (BUB1 mitotic checkpoint serine/threonine kinase B; plus strand). Cytogenetic location: 15q15.1.
Variant type: single nucleotide variant.
Coding change: c.1804T>G on transcript NM_001211.6 (MANE Select); coding-DNA position 1804, T replaced by G.
Protein change: p.Cys602Gly; replaces cysteine 602 with glycine.
Molecular consequence: missense variant.
Genome position (GRCh38, 1-based): chr15:40,206,253, T>G. VCF-style: chr15-40206253-T-G. GRCh37 (hg19) VCF-style: chr15-40498454-T-G.
Other names: short protein forms C602G.
Identifiers: ClinVar variation 3483184 (VCV003483184.1).